The following is an entry in ClinVar:

NM_001127511.3(APC):c.30C>G (p.Val10=)

Gene: APC (APC regulator of Wnt signaling pathway; plus strand). Cytogenetic location: 5q22.2.
Variant type: single nucleotide variant.
Coding change: c.30C>G on transcript NM_001127511.3; coding-DNA position 30, C replaced by G.
Protein change: p.Val10=; no amino-acid change (valine 10 retained).
Molecular consequence: synonymous variant. On other transcripts: 5 prime UTR variant (8), non-coding transcript variant (1), intron variant (5).
Genome position (GRCh38, 1-based): chr5:112,707,747, C>G. VCF-style: chr5-112707747-C-G. GRCh37 (hg19) VCF-style: chr5-112043444-C-G.
Other names: c.-154C>G (NM_001354895.2, NM_001407447.1, NM_001407452.1 and 3 more transcripts); c.30C>G, p.Val10= (NM_001354897.2, NM_001354902.2, NM_001407446.1); c.-1189C>G (NM_001407470.1, NM_001407472.1); c.-19+98C>G (NM_001407448.1, NM_001407450.1, NM_001407457.1 and 1 more transcripts); c.-43+98C>G (NM_001407453.1).
Identifiers: ClinVar variation 2028948 (VCV002028948.4), dbSNP rs917976853, ClinGen allele CA2580072325.

ClinVar aggregate classification (germline): Uncertain significance (1 of 4 stars; one submission).

Conditions:
Familial adenomatous polyposis 1 (FAP1). Also called: FAMILIAL ADENOMATOUS POLYPOSIS 1, ATTENUATED; POLYPOSIS, ADENOMATOUS INTESTINAL. Identifiers: MedGen C2713442, MONDO:0021056, OMIM 175100. Disease mechanism: loss of function.

Submission:

Labcorp Genetics (formerly Invitae), Labcorp
Classification: Uncertain significance for Familial adenomatous polyposis 1. Last evaluated: 2022-11-25. Review status: criteria provided, single submitter. Criteria: Invitae Variant Classification Sherloc (09022015). Collection method: clinical testing. Allele origin: germline.
Comment: In summary, the available evidence is currently insufficient to determine the role of this variant in disease. Therefore, it has been classified as a Variant of Uncertain Significance. Experimental studies and prediction algorithms are not available or were not evaluated, and the functional significance of this variant is currently unknown. This variant has not been reported in the literature in individuals affected with APC-related conditions. This variant is not present in population databases (gnomAD no frequency). This variant occurs in a non-coding region of the APC gene. It does not change the encoded amino acid sequence of the APC protein.